The following is an entry in ClinVar:

ClinVar aggregate classification (germline): Pathogenic (1 of 4 stars; one submission).

Submission:

Labcorp Genetics (formerly Invitae), Labcorp
Classification: Pathogenic. Last evaluated: 2023-04-17. Review status: criteria provided, single submitter. Criteria: Invitae Variant Classification Sherloc (09022015). Collection method: clinical testing. Allele origin: germline.
Comment: This sequence change creates a premature translational stop signal (p.Gly1442Valfs*6) in the TET2 gene. It is expected to result in an absent or disrupted protein product. Loss-of-function variants in TET2 are known to be pathogenic (PMID: 36066697). This variant is not present in population databases (gnomAD no frequency). This variant has not been reported in the literature in individuals affected with TET2-related conditions. For these reasons, this variant has been classified as Pathogenic.

Literature cited by the submitters: PubMed 36066697.

NM_001127208.3(TET2):c.4325del (p.Gly1442fs)

Genes: TET2 (tet methylcytosine dioxygenase 2; plus strand), TET2-AS1 (TET2 antisense RNA 1; minus strand). Cytogenetic location: 4q24.
Variant type: Deletion.
Coding change: c.4325del on transcript NM_001127208.3 (MANE Select); coding-DNA position 4325, one base deleted (G; older notation c.4325delG).
Protein change: p.Gly1442fs; shifts the reading frame from glycine 1442.
Molecular consequence: frameshift variant.
Genome position (GRCh38, 1-based): chr4:105,272,706, G deleted; the last of 2 consecutive G bases (chr4:105,272,705-105,272,706); deleting either gives the same sequence. VCF-style (leftmost placement, unchanged base first): chr4-105272704-TG-T. GRCh37 (hg19) VCF-style: chr4-106193861-TG-T.
Other names: short protein forms G1442fs.
Identifiers: ClinVar variation 2857103 (VCV002857103.3), dbSNP rs2476723585, ClinGen allele CA2739270221.